The following is an entry in ClinVar:

ClinVar aggregate classification (germline): Likely benign (0 of 4 stars; one submission).

Conditions:
CHD3-related disorder. Also called: CHD3-related condition.

Allele frequency attached by ClinVar (database versions not stated): gnomAD exomes 0.00003; TOPMed 0.00006; ExAC 0.00007; gnomAD 0.00007; 1000 Genomes Project 0.00020; 1000 Genomes Project 30x 0.00031.
gnomAD v4.1: 49 of 1,602,538 alleles (0.0031%); highest among the groups gnomAD compares: East Asian, 0.011%; 1 homozygote.

Submission:

PreventionGenetics, part of Exact Sciences
Classification: Likely benign for CHD3-related condition. Last evaluated: 2023-05-16. Review status: no assertion criteria provided. Collection method: clinical testing. Allele origin: germline.
Comment: This variant is classified as likely benign based on ACMG/AMP sequence variant interpretation guidelines (Richards et al. 2015 PMID: 25741868, with internal and published modifications).

NM_001005273.3(CHD3):c.5765C>T (p.Pro1922Leu)

Gene: CHD3 (chromodomain helicase DNA binding protein 3; plus strand). Cytogenetic location: 17p13.1.
Variant type: single nucleotide variant.
Coding change: c.5765C>T on transcript NM_001005273.3 (MANE Select); coding-DNA position 5765, C replaced by T.
Protein change: p.Pro1922Leu; replaces proline 1922 with leucine.
Molecular consequence: missense variant.
Genome position (GRCh38, 1-based): chr17:7,910,857, C>T. VCF-style: chr17-7910857-C-T. GRCh37 (hg19) VCF-style: chr17-7814175-C-T.
Other names: c.5942C>T, p.Pro1981Leu (NM_001005271.3); c.5663C>T, p.Pro1888Leu (NM_005852.4); short protein forms P1888L, P1922L, P1981L.
Identifiers: ClinVar variation 3036533 (VCV003036533.2), dbSNP rs201169642, ClinGen allele CA8363764.